The following is an entry in ClinVar:

NM_000158.4(GBE1):c.2053-3364G>A

Gene: GBE1 (1,4-alpha-glucan branching enzyme 1; minus strand). Cytogenetic location: 3p12.2.
Variant type: single nucleotide variant.
Coding change: c.2053-3364G>A on transcript NM_000158.4 (MANE Select); 3364 bases into the intron before coding-DNA position 2053, G replaced by A.
Molecular consequence: intron variant.
Genome position (GRCh38, 1-based): chr3:81,493,827, C>T on the plus strand (G>A on the coding strand, the complement: GBE1 is on the minus strand). VCF-style: chr3-81493827-C-T. GRCh37 (hg19) VCF-style: chr3-81542978-C-T.
Identifiers: ClinVar variation 3039033 (VCV003039033.3), dbSNP rs559306420, ClinGen allele CA78275556.

ClinVar aggregate classification (germline): Likely benign. Review status: criteria provided, single submitter (1 of 4 stars). 2 submissions from 2 submitters: Likely benign (1). 1 of the submissions does not count toward it. Last evaluated 2024-06-17.

Conditions:
GBE1-related disorder. Also called: GBE1-related condition; GBE1-related disorders. Identifiers: MedGen CN239402.

Allele frequency attached by ClinVar (database versions not stated): gnomAD 0.00037; 1000 Genomes Project 0.00040; 1000 Genomes Project 30x 0.00047; TOPMed 0.00052.
gnomAD v4.1: 56 of 140,342 alleles (0.04%); highest among the groups gnomAD compares: Middle Eastern, 0.36%; no homozygotes.

Submissions (2):

Blueprint Genetics
Classification: Likely benign. Last evaluated: 2024-06-17. Review status: criteria provided, single submitter. Criteria: ACMG Guidelines, 2015. Collection method: clinical testing. Allele origin: germline.

PreventionGenetics, part of Exact Sciences
Classification: Likely benign for GBE1-related condition. Last evaluated: 2019-10-22. Review status: no assertion criteria provided. Collection method: clinical testing. Allele origin: germline. Not counted in ClinVar's aggregate classification.
Comment: This variant is classified as likely benign based on ACMG/AMP sequence variant interpretation guidelines (Richards et al. 2015 PMID: 25741868, with internal and published modifications).